The following is an entry in ClinVar:

ClinVar aggregate classification (germline): Uncertain significance. Review status: criteria provided, multiple submitters, no conflicts (2 of 4 stars). 2 submissions from 2 submitters: Uncertain significance (2). Last evaluated 2022-10-21.

Conditions:
Inborn genetic diseases. Identifiers: MedGen C0950123, MeSH D030342.
Familial sleep-related hypermotor epilepsy. Also called: Autosomal Dominant Sleep-Related Hypermotor (Hyperkinetic) Epilepsy. Identifiers: Orphanet 98784, MedGen C3696898, MONDO:0000030.

Submissions (2):

Labcorp Genetics (formerly Invitae), Labcorp
Classification: Uncertain significance. Last evaluated: 2022-10-21. Review status: criteria provided, single submitter. Criteria: Invitae Variant Classification Sherloc (09022015). Collection method: clinical testing. Allele origin: germline.
Comment: In summary, the available evidence is currently insufficient to determine the role of this variant in disease. Therefore, it has been classified as a Variant of Uncertain Significance. Advanced modeling of protein sequence and biophysical properties (such as structural, functional, and spatial information, amino acid conservation, physicochemical variation, residue mobility, and thermodynamic stability) performed at Invitae indicates that this missense variant is expected to disrupt CHRNA4 protein function. ClinVar contains an entry for this variant (Variation ID: 1348113). This variant has not been reported in the literature in individuals affected with CHRNA4-related conditions. This variant is not present in population databases (gnomAD no frequency). This sequence change replaces proline, which is neutral and non-polar, with leucine, which is neutral and non-polar, at codon 169 of the CHRNA4 protein (p.Pro169Leu).

Ambry Genetics
Classification: Uncertain significance for Inborn genetic diseases. Last evaluated: 2019-01-15. Review status: criteria provided, single submitter. Criteria: Ambry Variant Classification Scheme 2023. Collection method: clinical testing. Allele origin: germline.
Comment: The p.P169L variant (also known as c.506C>T), located in coding exon 5 of the CHRNA4 gene, results from a C to T substitution at nucleotide position 506. The proline at codon 169 is replaced by leucine, an amino acid with similar properties. This amino acid position is highly conserved in available vertebrate species. In addition, this alteration is predicted to be deleterious by in silico analysis. Since supporting evidence is limited at this time, the clinical significance of this alteration remains unclear.

NM_000744.7(CHRNA4):c.506C>T (p.Pro169Leu)

Gene: CHRNA4 (cholinergic receptor nicotinic alpha 4 subunit; minus strand). Cytogenetic location: 20q13.33.
Variant type: single nucleotide variant.
Coding change: c.506C>T on transcript NM_000744.7 (MANE Select); coding-DNA position 506, C replaced by T.
Protein change: p.Pro169Leu; replaces proline 169 with leucine.
Molecular consequence: missense variant. On other transcripts: 5 prime UTR variant (1), non-coding transcript variant (1).
Genome position (GRCh38, 1-based): chr20:63,350,905, G>A on the plus strand (C>T on the coding strand, the complement: CHRNA4 is on the minus strand). VCF-style: chr20-63350905-G-A. GRCh37 (hg19) VCF-style: chr20-61982257-G-A.
Other names: c.-23C>T (NM_001256573.2); short protein forms P169L.
Identifiers: ClinVar variation 1348113 (VCV001348113.10), dbSNP rs199519224, ClinGen allele CA317436347.